The following is an entry in ClinVar:

NM_001267550.2(TTN):c.106911A>T (p.Lys35637Asn)

Genes: TTN-AS1 (TTN antisense RNA 1; plus strand), TTN (titin; minus strand). Cytogenetic location: 2q31.2.
Variant type: single nucleotide variant.
Coding change: c.106911A>T on transcript NM_001267550.2 (MANE Select); coding-DNA position 106911, A replaced by T.
Protein change: p.Lys35637Asn; replaces lysine 35637 with asparagine.
Molecular consequence: missense variant.
Genome position (GRCh38, 1-based): chr2:178,528,840, T>A on the plus strand (A>T on the coding strand, the complement: TTN is on the minus strand). VCF-style: chr2-178528840-T-A. GRCh37 (hg19) VCF-style: chr2-179393567-T-A.
Other names: c.101988A>T, p.Lys33996Asn (NM_001256850.1); c.79716A>T, p.Lys26572Asn (NM_003319.4); c.99207A>T, p.Lys33069Asn (NM_133378.4); c.80091A>T, p.Lys26697Asn (NM_133432.3); c.80292A>T, p.Lys26764Asn (NM_133437.4); short protein forms K26697N, K26572N, K26764N, K35637N, K33069N, K33996N.
Identifiers: ClinVar variation 836296 (VCV000836296.12), dbSNP rs767045071, ClinGen allele CA349402675.

ClinVar aggregate classification (germline): Uncertain significance. Review status: criteria provided, multiple submitters, no conflicts (2 of 4 stars). 2 submissions from 2 submitters: Uncertain significance (2). Last evaluated 2025-11-26.

Conditions:
Dilated cardiomyopathy 1G (CMD1G). Identifiers: Orphanet 154, MedGen C1858763, MONDO:0011400, OMIM 604145.
Autosomal recessive limb-girdle muscular dystrophy type 2J (LGMDR10). Also called: Limb-girdle muscular dystrophy, type 2J; MUSCULAR DYSTROPHY, LIMB-GIRDLE, AUTOSOMAL RECESSIVE 10. Identifiers: Orphanet 140922, MedGen C1837342, MONDO:0012127, OMIM 608807.

gnomAD v4.1: 28 of 1,614,008 alleles (0.0017%); highest among the groups gnomAD compares: African/African-American, 0.0027%; no homozygotes.

Submissions (2):

Labcorp Genetics (formerly Invitae), Labcorp
Classification: Uncertain significance for Dilated cardiomyopathy 1G; Autosomal recessive limb-girdle muscular dystrophy type 2J. Last evaluated: 2025-11-26. Review status: criteria provided, single submitter. Criteria: Invitae Variant Classification Sherloc (09022015). Collection method: clinical testing. Allele origin: germline.
Comment: This sequence change replaces lysine, which is basic and polar, with asparagine, which is neutral and polar, at codon 35637 of the TTN protein (p.Lys35637Asn). This variant is not present in population databases (gnomAD no frequency). This variant has not been reported in the literature in individuals affected with TTN-related conditions. ClinVar contains an entry for this variant (Variation ID: 836296). Experimental studies and prediction algorithms are not available or were not evaluated, and the functional significance of this variant is currently unknown. This variant is located in the M band of TTN (PMID: 25589632). Non-truncating variants in this region may be relevant for neuromuscular disorders, but have not been definitively shown to cause cardiomyopathy (PMID: 23975875). In summary, the available evidence is currently insufficient to determine the role of this variant in disease. Therefore, it has been classified as a Variant of Uncertain Significance.

Revvity Omics, Revvity
Classification: Uncertain significance. Last evaluated: 2022-08-17. Review status: criteria provided, single submitter. Criteria: ACMG Guidelines, 2015. Collection method: clinical testing. Allele origin: germline.

Literature cited by the submitters: PubMed 25589632 (cited by Labcorp Genetics (formerly Invitae), Labcorp); PubMed 23975875 (cited by Labcorp Genetics (formerly Invitae), Labcorp).